The following is an entry in ClinVar:

NM_022124.6(CDH23):c.6329C>T (p.Ala2110Val)

Gene: CDH23 (cadherin related 23; plus strand). Cytogenetic location: 10q22.1.
Variant type: single nucleotide variant.
Coding change: c.6329C>T on transcript NM_022124.6 (MANE Select); coding-DNA position 6329, C replaced by T.
Protein change: p.Ala2110Val; replaces alanine 2110 with valine.
Molecular consequence: missense variant.
Genome position (GRCh38, 1-based): chr10:71,793,257, C>T. VCF-style: chr10-71793257-C-T. GRCh37 (hg19) VCF-style: chr10-73553014-C-T.
Other names: short protein forms A2110V.
Identifiers: ClinVar variation 46008 (VCV000046008.30), dbSNP rs111033492, ClinGen allele CA137531.

ClinVar aggregate classification (germline): Likely benign. Review status: criteria provided, multiple submitters, no conflicts (2 of 4 stars). 7 submissions from 7 submitters: Likely benign (6). 1 of the submissions does not count toward it. Last evaluated 2026-02-02.

Conditions:
Usher syndrome type 1 (USH1). Also called: RETINITIS PIGMENTOSA AND CONGENITAL DEAFNESS. Identifiers: Orphanet 231169, Orphanet 886, MedGen C1568247, MONDO:0010168, OMIM 276900.

Allele frequency attached by ClinVar (database versions not stated): gnomAD exomes 0.00010 and 0.00035; ExAC 0.00047; gnomAD 0.00146 and 0.00150; TOPMed 0.00154; ESP Exome Variant Server 0.00177; 1000 Genomes Project 30x 0.00297; 1000 Genomes Project 0.00300.
gnomAD v4.1: 392 of 1,613,944 alleles (0.024%); highest among the groups gnomAD compares: African/African-American, 0.45%; no homozygotes.

Submissions (7):

Labcorp Genetics (formerly Invitae), Labcorp
Classification: Likely benign. Last evaluated: 2026-02-02. Review status: criteria provided, single submitter. Criteria: Invitae Variant Classification Sherloc (09022015). Collection method: clinical testing. Allele origin: germline.

CeGaT Center for Human Genetics Tuebingen
Classification: Likely benign. Last evaluated: 2025-04-01. Review status: criteria provided, single submitter. Criteria: CeGaT Center For Human Genetics Tuebingen Variant Classification Criteria Version 2. Collection method: clinical testing. Allele origin: germline. Affected: yes. Observed: 1 variant allele.
Comment: CDH23: BP4, BS1

Blueprint Genetics
Classification: Likely benign. Last evaluated: 2024-09-09. Review status: criteria provided, single submitter. Criteria: ACMG Guidelines, 2015. Collection method: clinical testing. Allele origin: germline.

GeneDx
Classification: Likely benign. Last evaluated: 2020-12-18. Review status: criteria provided, single submitter. Criteria: GeneDx Variant Classification Process June 2021. Collection method: clinical testing. Allele origin: germline. Affected: yes.
Comment: This variant is associated with the following publications: (PMID: 21569298, 26969326)

Eurofins Ntd Llc (ga)
Classification: Likely benign. Last evaluated: 2016-01-22. Review status: criteria provided, single submitter. Criteria: EGL Classification Definitions 2015. Collection method: clinical testing. Allele origin: germline. Observed: 3 variant alleles, 3 heterozygotes.

Laboratory for Molecular Medicine, Mass General Brigham Personalized Medicine
Classification: Likely benign. Last evaluated: 2015-10-22. Review status: criteria provided, single submitter. Criteria: LMM Criteria. Collection method: clinical testing. Allele origin: germline. Observed: 4 variant alleles.
Comment: p.Ala2110Val in exon 48 of CDH23 : This variant is not expected to have clinical significance because it has been identified in 0.6% (55/9526) of African chromo somes by the Exome Aggregation Consortium (ExAC; dbSNP rs111033492).

Natera, Inc.
Classification: Likely benign for Usher syndrome type 1. Last evaluated: 2020-04-17. Review status: no assertion criteria provided. Collection method: clinical testing. Allele origin: germline. Not counted in ClinVar's aggregate classification.

Literature cited by the submitters: PubMed 21569298 (cited by Eurofins Ntd Llc (ga)).